The following is an entry in ClinVar:

NM_030631.4(SLC25A21):c.724C>A (p.Pro242Thr)

Gene: SLC25A21 (solute carrier family 25 member 21; minus strand). Cytogenetic location: 14q13.3.
Variant type: single nucleotide variant.
Coding change: c.724C>A on transcript NM_030631.4 (MANE Select); coding-DNA position 724, C replaced by A.
Protein change: p.Pro242Thr; replaces proline 242 with threonine.
Molecular consequence: missense variant.
Genome position (GRCh38, 1-based): chr14:36,684,805, G>T on the plus strand (C>A on the coding strand, the complement: SLC25A21 is on the minus strand). VCF-style: chr14-36684805-G-T. GRCh37 (hg19) VCF-style: chr14-37154010-G-T.
Other names: c.724C>A, p.Pro242Thr (NM_001171170.2); short protein forms P242T.
Identifiers: ClinVar variation 4761142 (VCV004761142.1).

ClinVar aggregate classification (germline): Uncertain significance (1 of 4 stars; one submission).

Submission:

Labcorp Genetics (formerly Invitae), Labcorp
Classification: Uncertain significance. Last evaluated: 2025-08-02. Review status: criteria provided, single submitter. Criteria: Invitae Variant Classification Sherloc (09022015). Collection method: clinical testing. Allele origin: germline.
Comment: This sequence change replaces proline, which is neutral and non-polar, with threonine, which is neutral and polar, at codon 242 of the SLC25A21 protein (p.Pro242Thr). This variant is not present in population databases (gnomAD no frequency). This variant has not been reported in the literature in individuals affected with SLC25A21-related conditions. An algorithm developed to predict the effect of missense changes on protein structure and function (PolyPhen-2) suggests that this variant is likely to be disruptive. In summary, the available evidence is currently insufficient to determine the role of this variant in disease. Therefore, it has been classified as a Variant of Uncertain Significance.